The following is an entry in ClinVar:

NM_001378457.1(DMXL2):c.6400T>C (p.Leu2134=)

Gene: DMXL2 (Dmx like 2; minus strand). Cytogenetic location: 15q21.2.
Variant type: single nucleotide variant.
Coding change: c.6400T>C on transcript NM_001378457.1 (MANE Select); coding-DNA position 6400, T replaced by C.
Protein change: p.Leu2134=; no amino-acid change (leucine 2134 retained).
Molecular consequence: synonymous variant. On other transcripts: non-coding transcript variant (2).
Genome position (GRCh38, 1-based): chr15:51,480,706, A>G on the plus strand (T>C on the coding strand, the complement: DMXL2 is on the minus strand). VCF-style: chr15-51480706-A-G. GRCh37 (hg19) VCF-style: chr15-51772903-A-G.
Other names: c.6400T>C, p.Leu2134= (NM_001174116.3, NM_001378458.1, NM_001378459.1 and 4 more transcripts); c.4492T>C, p.Leu1498= (NM_001174117.3); c.4381T>C, p.Leu1461= (NM_001378460.1); c.6160T>C, p.Leu2054= (NM_001378464.1).
Identifiers: ClinVar variation 1570770 (VCV001570770.12), dbSNP rs1353816985, ClinGen allele CA490596583.
Genomic context (GRCh38, chr15:51,480,706, plus strand): 5'-GATCTTGGTTTTTCTGCAACCACGACTTTCGTCTTTCTGCATGCTCTCGTTTGGCCTGCA[A>G]TCTTCTTCTTTCTATTTGATGGCGCTCATAGGAACCAATATCTGGTTTGTCTACCATTTC-3'
Protein context (NP_001365386.1, residues 2124-2144): YERHQIERRR[Leu2134=]QAKREHAERR

ClinVar aggregate classification (germline): Likely benign. Review status: criteria provided, multiple submitters, no conflicts (2 of 4 stars). 2 submissions from 2 submitters: Likely benign (2). Last evaluated 2026-07-01.

Allele frequency attached by ClinVar (database versions not stated): gnomAD exomes below 0.00001; gnomAD 0.00001.
gnomAD v4.1: 6 of 1,609,550 alleles (0.00037%); highest among the groups gnomAD compares: Non-Finnish European, 0.00051%; no homozygotes.

Submissions (2):

CeGaT Center for Human Genetics Tuebingen
Classification: Likely benign. Last evaluated: 2026-07-01. Review status: criteria provided, single submitter. Criteria: CeGaT Center For Human Genetics Tuebingen Variant Classification Criteria Version 2. Collection method: clinical testing. Allele origin: germline. Affected: yes. Observed: 2 variant alleles.
Comment: DMXL2: BP4, BP7

Labcorp Genetics (formerly Invitae), Labcorp
Classification: Likely benign. Last evaluated: 2021-12-15. Review status: criteria provided, single submitter. Criteria: Invitae Variant Classification Sherloc (09022015). Collection method: clinical testing. Allele origin: germline.